The following is an entry in ClinVar:

ClinVar aggregate classification (germline): Pathogenic (1 of 4 stars; one submission).

Conditions:
Nemaline myopathy 2 (NEM2). Also called: Nemaline myopathy 2, autosomal recessive. Identifiers: MedGen C1850569, MONDO:0009725, OMIM 256030.

Submission:

Labcorp Genetics (formerly Invitae), Labcorp
Classification: Pathogenic for Nemaline myopathy 2. Last evaluated: 2022-08-22. Review status: criteria provided, single submitter. Criteria: Invitae Variant Classification Sherloc (09022015). Collection method: clinical testing. Allele origin: germline.
Comment: For these reasons, this variant has been classified as Pathogenic. This variant has not been reported in the literature in individuals affected with NEB-related conditions. This variant is not present in population databases (gnomAD no frequency). This sequence change creates a premature translational stop signal (p.Ala1222Leufs*2) in the NEB gene. It is expected to result in an absent or disrupted protein product. Loss-of-function variants in NEB are known to be pathogenic (PMID: 25205138).

Literature cited by the submitters: PubMed 25205138.

NM_001164508.2(NEB):c.3664del (p.Ala1222fs)

Gene: NEB (nebulin; minus strand). Cytogenetic location: 2q23.3.
Variant type: Deletion.
Coding change: c.3664del on transcript NM_001164508.2 (MANE Select); coding-DNA position 3664, one base deleted (G; older notation c.3664delG).
Protein change: p.Ala1222fs; shifts the reading frame from alanine 1222.
Molecular consequence: frameshift variant.
Genome position (GRCh38, 1-based): chr2:151,677,675, C deleted on the plus strand (G on the coding strand, the reverse complement: NEB is on the minus strand). VCF-style (leftmost placement, unchanged base first): chr2-151677674-GC-G. GRCh37 (hg19) VCF-style: chr2-152534188-GC-G.
Other names: c.3664del, p.Ala1222fs (NM_001164507.2, NM_001271208.2, NM_004543.5); short protein forms A1222fs.
Identifiers: ClinVar variation 2026414 (VCV002026414.4), dbSNP rs2552262530, ClinGen allele CA2580064135.